The following is an entry in ClinVar:

ClinVar aggregate classification (germline): Conflicting classifications of pathogenicity. Review status: criteria provided, conflicting classifications (1 of 4 stars). 3 submissions from 3 submitters: Likely pathogenic (1); Uncertain significance (1). 1 of the submissions does not count toward it. Last evaluated 2024-06-21.

Conditions:
Proteasome-associated autoinflammatory syndrome 3. Identifiers: MedGen C4747850, MONDO:0054699, OMIM 617591.

Allele frequency attached by ClinVar (database versions not stated): gnomAD exomes 0.00001 and 0.00004; ExAC 0.00003; ESP Exome Variant Server 0.00012; TOPMed 0.00016; gnomAD 0.00019 and 0.00022.
gnomAD v4.1: 51 of 1,612,902 alleles (0.0032%); highest among the groups gnomAD compares: African/African-American, 0.061%; no homozygotes.

Submissions (3):

Women's Health and Genetics/Laboratory Corporation of America, LabCorp
Classification: Uncertain significance. Last evaluated: 2024-06-21. Review status: criteria provided, single submitter. Criteria: LabCorp Variant Classification Summary - May 2015. Collection method: clinical testing. Allele origin: germline.
Comment: Variant summary: PSMB9 c.494G>A (p.Gly165Asp) results in a non-conservative amino acid change in the encoded protein sequence. Two of four in-silico tools predict a benign effect of the variant on protein function. The variant allele was found at a frequency of 3.2e-05 in 1605926 control chromosomes (i.e. 51 carriers), predominantly at a frequency of 0.00061 within the African or African-American subpopulation in the gnomAD database (v4.1 dataset). This frequency is not higher than the estimated maximum expected for a pathogenic variant in PSMB9 causing Proteasome-Associated Autoinflammatory Syndrome 6, allowing no conclusion about variant significance. The variant, c.494G>A, has been reported in the literature in two siblings affected with Proteasome-Associated Autoinflammatory Syndrome 6 (Brehm_2015), who also carried a frameshift variant in PSMB4 (i.e. another proteosome associated gene); authors proposed an additive effect for the variants, suggesting digenic inheritance. Authors also examined patient derived cells and found normal chymotryptic- and tryptic but somewhat reduced caspase-like activity, which was similar to the findings in healthy fibroblasts when silencing mRNA expression of the respective genes (Brehm_2015). However, these data do not allow clear conclusions about variant significance. The following publication have been ascertained in the context of this evaluation (PMID: 26524591). ClinVar contains an entry for this variant (Variation ID: 548995). Based on the evidence outlined above, the variant was classified as uncertain significance.

Laboratorio de Genetica e Diagnostico Molecular, Hospital Israelita Albert Einstein
Classification: Likely pathogenic for Proteasome-associated autoinflammatory syndrome 3. Last evaluated: 2022-05-27. Review status: criteria provided, single submitter. Criteria: ACMG Guidelines, 2015. Collection method: clinical testing. Allele origin: germline. Affected: yes. Observed: 1 variant allele.
Comment: ACMG classification criteria: PS4 supporting, PM1 moderated, PM2 moderated, PM3 supporting, BP4 supporting

OMIM
Classification: Pathogenic for PROTEASOME-ASSOCIATED AUTOINFLAMMATION SYNDROME 3, DIGENIC (1 family). Last evaluated: 2024-05-14. Review status: no assertion criteria provided. Collection method: literature only. Allele origin: germline. Not counted in ClinVar's aggregate classification.

Literature cited by the submitters: PubMed 26524591 (cited by Women's Health and Genetics/Laboratory Corporation of America, LabCorp and OMIM).

NM_002800.5(PSMB9):c.494G>A (p.Gly165Asp)

Gene: PSMB9 (proteasome 20S subunit beta 9; plus strand). Cytogenetic location: 6p21.32.
Variant type: single nucleotide variant.
Coding change: c.494G>A on transcript NM_002800.5 (MANE Select); coding-DNA position 494, G replaced by A.
Protein change: p.Gly165Asp; replaces glycine 165 with aspartic acid.
Molecular consequence: missense variant.
Genome position (GRCh38, 1-based): chr6:32,858,467, G>A. VCF-style: chr6-32858467-G-A. GRCh37 (hg19) VCF-style: chr6-32826244-G-A.
Other names: PSMB9, GLY165ASP (rs369359789); short protein forms G165D.
Identifiers: ClinVar variation 548995 (VCV000548995.5), dbSNP rs369359789, ClinGen allele CA3747291.